The following is an entry in ClinVar:

NM_020821.3(VPS13C):c.4375A>G (p.Met1459Val)

Gene: VPS13C (vacuolar protein sorting 13 homolog C; minus strand). Cytogenetic location: 15q22.2.
Variant type: single nucleotide variant.
Coding change: c.4375A>G on transcript NM_020821.3 (MANE Select); coding-DNA position 4375, A replaced by G.
Protein change: p.Met1459Val; replaces methionine 1459 with valine.
Molecular consequence: missense variant.
Genome position (GRCh38, 1-based): chr15:61,951,905, T>C on the plus strand (A>G on the coding strand, the complement: VPS13C is on the minus strand). VCF-style: chr15-61951905-T-C. GRCh37 (hg19) VCF-style: chr15-62244104-T-C.
Other names: c.4375A>G, p.Met1459Val (NM_001018088.3); c.4246A>G, p.Met1416Val (NM_017684.5, NM_018080.4); short protein forms M1459V, M1416V.
Identifiers: ClinVar variation 2055692 (VCV002055692.3), dbSNP rs370832130, ClinGen allele CA7596118.
Genomic context (GRCh38, chr15:61,951,905, plus strand): 5'-TACTAATTTTTTTTAGATAAGCTTTAGCAGTCATGTCATAGGTTTTAACTTTAGCTTCCA[T>C]TCCAAGTTGCAGGACATTTAGCTCATGTAAAGGCCTTCCTTTCTTTTCTGATTTTTTCAT-3'
Protein context (NP_065872.1, residues 1449-1469): LHELNVLQLG[Met1459Val]EAKVKTYDMT

ClinVar aggregate classification (germline): Conflicting classifications of pathogenicity. Review status: criteria provided, conflicting classifications (1 of 4 stars). 2 submissions from 2 submitters: Uncertain significance (1); Likely benign (1). Last evaluated 2023-04-15.

Conditions:
Inborn genetic diseases. Identifiers: MedGen C0950123, MeSH D030342.

Allele frequency attached by ClinVar (database versions not stated): ExAC 0.00008; ESP Exome Variant Server 0.00008; gnomAD exomes 0.00008; TOPMed 0.00025; gnomAD 0.00030.

Submissions (2):

Labcorp Genetics (formerly Invitae), Labcorp
Classification: Uncertain significance. Last evaluated: 2023-04-15. Review status: criteria provided, single submitter. Criteria: Invitae Variant Classification Sherloc (09022015). Collection method: clinical testing. Allele origin: germline.
Comment: In summary, the available evidence is currently insufficient to determine the role of this variant in disease. Therefore, it has been classified as a Variant of Uncertain Significance. Advanced modeling of protein sequence and biophysical properties (such as structural, functional, and spatial information, amino acid conservation, physicochemical variation, residue mobility, and thermodynamic stability) performed at Invitae indicates that this missense variant is not expected to disrupt VPS13C protein function. ClinVar contains an entry for this variant (Variation ID: 2055692). This variant has not been reported in the literature in individuals affected with VPS13C-related conditions. This variant is present in population databases (rs370832130, gnomAD 0.07%). This sequence change replaces methionine, which is neutral and non-polar, with valine, which is neutral and non-polar, at codon 1459 of the VPS13C protein (p.Met1459Val).

Ambry Genetics
Classification: Likely benign for Inborn genetic diseases. Last evaluated: 2021-07-20. Review status: criteria provided, single submitter. Criteria: Ambry Variant Classification Scheme 2023. Collection method: clinical testing. Allele origin: germline.